The following is an entry in ClinVar:

ClinVar aggregate classification (germline): Uncertain significance (1 of 4 stars; one submission).

Allele frequency attached by ClinVar (database versions not stated): TOPMed below 0.00001.

Submission:

Labcorp Genetics (formerly Invitae), Labcorp
Classification: Uncertain significance. Last evaluated: 2022-06-25. Review status: criteria provided, single submitter. Criteria: Invitae Variant Classification Sherloc (09022015). Collection method: clinical testing. Allele origin: germline.
Comment: This sequence change replaces glutamine, which is neutral and polar, with lysine, which is basic and polar, at codon 4667 of the PCLO protein (p.Gln4667Lys). This variant is not present in population databases (gnomAD no frequency). This variant has not been reported in the literature in individuals affected with PCLO-related conditions. Algorithms developed to predict the effect of missense changes on protein structure and function are either unavailable or do not agree on the potential impact of this missense change (SIFT: "Deleterious"; PolyPhen-2: "Not Available"; Align-GVGD: "Class C0"). In summary, the available evidence is currently insufficient to determine the role of this variant in disease. Therefore, it has been classified as a Variant of Uncertain Significance.

NM_033026.6(PCLO):c.13999C>A (p.Gln4667Lys)

Gene: PCLO (piccolo presynaptic cytomatrix protein; minus strand). Cytogenetic location: 7q21.11.
Variant type: single nucleotide variant.
Coding change: c.13999C>A on transcript NM_033026.6 (MANE Select); coding-DNA position 13999, C replaced by A.
Protein change: p.Gln4667Lys; replaces glutamine 4667 with lysine.
Molecular consequence: missense variant.
Genome position (GRCh38, 1-based): chr7:82,845,318, G>T on the plus strand (C>A on the coding strand, the complement: PCLO is on the minus strand). VCF-style: chr7-82845318-G-T. GRCh37 (hg19) VCF-style: chr7-82474634-G-T.
Other names: c.13999C>A, p.Gln4667Lys (NM_014510.3); short protein forms Q4667K.
Identifiers: ClinVar variation 2010545 (VCV002010545.1), dbSNP rs1186256891, ClinGen allele CA367878755.
Genomic context (GRCh38, chr7:82,845,318, plus strand): 5'-CAACAATCCTCACCTTGCTGCTGCCGTGCTTCTTTTTGCTCACTGAGGGGGACCCTGGTT[G>T]CCCAGGGCTGGGAACGGAACTGGATCCTGCTGATGTAGGACCTGAATGAACATGAGATCC-3'
Protein context (NP_149015.2, residues 4657-4677): AGSSSVPSPG[Gln4667Lys]PGSPSVSKKK